The following is an entry in ClinVar:

ClinVar aggregate classification (germline): Uncertain significance (1 of 4 stars; one submission).

Conditions:
RASopathy. Also called: rasopathies; Noonan spectrum disorder. Identifiers: Orphanet 536391, MedGen C5555857, MONDO:0021060.

Allele frequency attached by ClinVar (database versions not stated): gnomAD exomes below 0.00001; ExAC 0.00002.
gnomAD v4.1: 4 of 1,608,480 alleles (0.00025%); highest among the groups gnomAD compares: African/African-American, 0.0013%; no homozygotes.

Submission:

Labcorp Genetics (formerly Invitae), Labcorp
Classification: Uncertain significance for RASopathy. Last evaluated: 2022-07-17. Review status: criteria provided, single submitter. Criteria: Invitae Variant Classification Sherloc (09022015). Collection method: clinical testing. Allele origin: germline.
Comment: In summary, the available evidence is currently insufficient to determine the role of this variant in disease. Therefore, it has been classified as a Variant of Uncertain Significance. Advanced modeling of protein sequence and biophysical properties (such as structural, functional, and spatial information, amino acid conservation, physicochemical variation, residue mobility, and thermodynamic stability) performed at Invitae indicates that this missense variant is expected to disrupt SOS1 protein function. This variant has not been reported in the literature in individuals affected with SOS1-related conditions. This variant is present in population databases (rs773960091, gnomAD 0.006%). This sequence change replaces glutamic acid, which is acidic and polar, with aspartic acid, which is acidic and polar, at codon 812 of the SOS1 protein (p.Glu812Asp).

NM_005633.4(SOS1):c.2436A>C (p.Glu812Asp)

Gene: SOS1 (SOS Ras/Rac guanine nucleotide exchange factor 1; minus strand). Cytogenetic location: 2p22.1.
Variant type: single nucleotide variant.
Coding change: c.2436A>C on transcript NM_005633.4 (MANE Select); coding-DNA position 2436, A replaced by C.
Protein change: p.Glu812Asp; replaces glutamic acid 812 with aspartic acid.
Molecular consequence: missense variant.
Genome position (GRCh38, 1-based): chr2:39,010,658, T>G on the plus strand (A>C on the coding strand, the complement: SOS1 is on the minus strand). VCF-style: chr2-39010658-T-G. GRCh37 (hg19) VCF-style: chr2-39237799-T-G.
Other names: c.2415A>C, p.Glu805Asp (NM_001382394.1); c.2436A>C, p.Glu812Asp (NM_001382395.1); short protein forms E805D, E812D.
Identifiers: ClinVar variation 1716572 (VCV001716572.5), dbSNP rs773960091, ClinGen allele CA1624414.
Genomic context (GRCh38, chr2:39,010,658, plus strand): 5'-AGTGAGGTTGGTGGTATGTCGAATCATTTTCAGAAGATTAGGAGAGTTAATTTCTTTGTC[T>G]TCTTTTGTCCACACACTTCCAACTAATTCTGATGGCTGTACAGCTCTAAAATCATCAATA-3'
Protein context (NP_005624.2, residues 802-822): SELVGSVWTK[Glu812Asp]DKEINSPNLL